The following is an entry in ClinVar:

NM_145868.2(ANXA11):c.113G>A (p.Gly38Glu)

Gene: ANXA11 (annexin A11; minus strand). Cytogenetic location: 10q22.3.
Variant type: single nucleotide variant.
Coding change: c.113G>A on transcript NM_145868.2 (MANE Select); coding-DNA position 113, G replaced by A.
Protein change: p.Gly38Glu; replaces glycine 38 with glutamic acid.
Molecular consequence: missense variant.
Genome position (GRCh38, 1-based): chr10:80,170,858, C>T on the plus strand (G>A on the coding strand, the complement: ANXA11 is on the minus strand). VCF-style: chr10-80170858-C-T. GRCh37 (hg19) VCF-style: chr10-81930614-C-T.
Other names: c.113G>A, p.Gly38Glu (NM_001157.3, NM_001278407.2, NM_001278408.2 and 1 more transcripts); c.14G>A, p.Gly5Glu (NM_001278409.2); c.113G>A (NM_001157.2); short protein forms G5E, G38E.
Identifiers: ClinVar variation 1482358 (VCV001482358.7), dbSNP rs1002251764, ClinGen allele CA210334073.
Genomic context (GRCh38, chr10:80,170,858, plus strand): 5'-ACCATTCCCGAGAGATAGTCCTGGTTGAACTGCCCCGCATAGGTGGCCACGTTATCCAGC[C>T]CGATGGGGGGCATGCTGGGCGGAGGAGGGTAGGCAGCACCTCCCCAGGGACCACCACCTG-3'
Protein context (NP_665875.1, residues 28-48): YPPPPSMPPI[Gly38Glu]LDNVATYAGQ

ClinVar aggregate classification (germline): Uncertain significance. Review status: criteria provided, multiple submitters, no conflicts (2 of 4 stars). 2 submissions from 2 submitters: Uncertain significance (2). Last evaluated 2022-08-23.

Conditions:
Inborn genetic diseases. Identifiers: MedGen C0950123, MeSH D030342.

Allele frequency attached by ClinVar (database versions not stated): gnomAD exomes below 0.00001; gnomAD 0.00003 and 0.00004; TOPMed 0.00008.
gnomAD v4.1: 12 of 1,535,196 alleles (0.00078%); highest among the groups gnomAD compares: Admixed American, 0.013%; no homozygotes.

Submissions (2):

Labcorp Genetics (formerly Invitae), Labcorp
Classification: Uncertain significance. Last evaluated: 2022-08-23. Review status: criteria provided, single submitter. Criteria: Invitae Variant Classification Sherloc (09022015). Collection method: clinical testing. Allele origin: germline.
Comment: ClinVar contains an entry for this variant (Variation ID: 1482358). This variant has not been reported in the literature in individuals affected with ANXA11-related conditions. This variant is not present in population databases (gnomAD no frequency). This sequence change replaces glycine, which is neutral and non-polar, with glutamic acid, which is acidic and polar, at codon 38 of the ANXA11 protein (p.Gly38Glu). Algorithms developed to predict the effect of missense changes on protein structure and function are either unavailable or do not agree on the potential impact of this missense change (SIFT: "Deleterious"; PolyPhen-2: "Not Available"; Align-GVGD: "Class C0"). In summary, the available evidence is currently insufficient to determine the role of this variant in disease. Therefore, it has been classified as a Variant of Uncertain Significance. This variant disrupts the p.Gly38 amino acid residue in ANXA11. Other variant(s) that disrupt this residue have been determined to be pathogenic (PMID: 28469040, 29650794, 33087501; Invitae). This suggests that this residue is clinically significant, and that variants that disrupt this residue are likely to be disease-causing.

Ambry Genetics
Classification: Uncertain significance for Inborn genetic diseases. Last evaluated: 2021-08-30. Review status: criteria provided, single submitter. Criteria: Ambry Variant Classification Scheme 2023. Collection method: clinical testing. Allele origin: germline.

Literature cited by the submitters: PubMed 28469040 (cited by Labcorp Genetics (formerly Invitae), Labcorp); PubMed 29650794 (cited by Labcorp Genetics (formerly Invitae), Labcorp); PubMed 33087501 (cited by Labcorp Genetics (formerly Invitae), Labcorp).